The following is an entry in ClinVar:

ClinVar aggregate classification (germline): Uncertain significance (1 of 4 stars; one submission).

Conditions:
Hereditary cancer-predisposing syndrome. Also called: Neoplastic Syndromes, Hereditary; Tumor predisposition; Hereditary Cancer Syndrome; Hereditary neoplastic syndrome. Identifiers: Orphanet 140162, MedGen C0027672, MeSH D009386, MONDO:0015356.

Submission:

Ambry Genetics
Classification: Uncertain significance for Hereditary cancer-predisposing syndrome. Last evaluated: 2022-04-12. Review status: criteria provided, single submitter. Criteria: Ambry Variant Classification Scheme 2023. Collection method: clinical testing. Allele origin: germline.
Comment: The p.S381T variant (also known as c.1142G>C), located in coding exon 7 of the MEN1 gene, results from a G to C substitution at nucleotide position 1142. The serine at codon 381 is replaced by threonine, an amino acid with similar properties. This amino acid position is conserved. In addition, the in silico prediction for this alteration is inconclusive. Since supporting evidence is limited at this time, the clinical significance of this alteration remains unclear.

NM_001370259.2(MEN1):c.1142G>C (p.Ser381Thr)

Gene: MEN1 (menin 1; minus strand). Cytogenetic location: 11q13.1.
Variant type: single nucleotide variant.
Coding change: c.1142G>C on transcript NM_001370259.2 (MANE Select); coding-DNA position 1142, G replaced by C.
Protein change: p.Ser381Thr; replaces serine 381 with threonine.
Molecular consequence: missense variant.
Genome position (GRCh38, 1-based): chr11:64,805,678, C>G on the plus strand (G>C on the coding strand, the complement: MEN1 is on the minus strand). VCF-style: chr11-64805678-C-G. GRCh37 (hg19) VCF-style: chr11-64573150-C-G.
Other names: c.1157G>C, p.Ser386Thr (NM_130801.3, NM_130802.3, NM_000244.4 and 4 more transcripts); c.1268G>C, p.Ser423Thr (NM_001370251.2, NM_001407142.1, NM_001407143.1 and 1 more transcripts); c.1142G>C, p.Ser381Thr (NM_001370260.2, NM_001370261.2, NM_001407146.1 and 3 more transcripts); c.1037G>C, p.Ser346Thr (NM_001370262.2, NM_001370263.2, NM_001407148.1 and 1 more transcripts); c.1283G>C, p.Ser428Thr (NM_001407150.1); c.1163G>C, p.Ser388Thr (NM_001407151.1); short protein forms S386T, S346T, S381T, S423T, S388T, S428T.
Identifiers: ClinVar variation 1731666 (VCV001731666.2), dbSNP rs2136109141, ClinGen allele CA381182327.